The following is an entry in ClinVar:

ClinVar aggregate classification (germline): Conflicting classifications of pathogenicity. Review status: criteria provided, conflicting classifications (1 of 4 stars). 5 submissions from 5 submitters: Uncertain significance (2); Likely benign (3). Last evaluated 2025-12-28.

Conditions:
Hereditary cancer-predisposing syndrome. Also called: Hereditary neoplastic syndrome; Tumor predisposition; Neoplastic Syndromes, Hereditary; Hereditary Cancer Syndrome. Identifiers: Orphanet 140162, MedGen C0027672, MeSH D009386, MONDO:0015356.
Familial thoracic aortic aneurysm and aortic dissection (TAAD). Also called: Thoracic aortic aneurysms and dissections. Identifiers: Orphanet 91387, MedGen C4707243, MONDO:0019625.
Juvenile polyposis syndrome (JPS). Identifiers: Orphanet 2929, MedGen C0345893, MONDO:0017380, OMIM 174900.
Juvenile polyposis/hereditary hemorrhagic telangiectasia syndrome (JPHT). Also called: Juvenile Polyposis Syndrome / Hereditary Hemorrhagic Telangiectasia (JPS/HHT); JP/HHT SYNDROME; JUVENILE POLYPOSIS WITH HEREDITARY HEMORRHAGIC TELANGIECTASIA; POLYPOSIS, GENERALIZED JUVENILE, WITH PULMONARY ARTERIOVENOUS MALFORMATION; TELANGIECTASIA, HEREDITARY HEMORRHAGIC, WITH JUVENILE POLYPOSIS COLI. Identifiers: Orphanet 2929, MedGen C1832942, MONDO:0008278, OMIM 175050.

Allele frequency attached by ClinVar (database versions not stated): gnomAD exomes below 0.00001; TOPMed 0.00001.

Submissions (5):

Labcorp Genetics (formerly Invitae), Labcorp
Classification: Uncertain significance for Juvenile polyposis syndrome. Last evaluated: 2025-12-28. Review status: criteria provided, single submitter. Criteria: Invitae Variant Classification Sherloc (09022015). Collection method: clinical testing. Allele origin: germline.
Comment: This sequence change replaces serine, which is neutral and polar, with asparagine, which is neutral and polar, at codon 271 of the SMAD4 protein (p.Ser271Asn). This variant is present in population databases (no rsID available, gnomAD no frequency). This missense change has been observed in individual(s) with thoracic aortic aneurysm (PMID: 28716708). ClinVar contains an entry for this variant (Variation ID: 529933). Invitae Evidence Modeling of protein sequence and biophysical properties (such as structural, functional, and spatial information, amino acid conservation, physicochemical variation, residue mobility, and thermodynamic stability) indicates that this missense variant is not expected to disrupt SMAD4 protein function with a negative predictive value of 95%. Experimental studies are conflicting or provide insufficient evidence to determine the effect of this variant on SMAD4 function (PMID: 28716708). In summary, the available evidence is currently insufficient to determine the role of this variant in disease. Therefore, it has been classified as a Variant of Uncertain Significance.

Color Diagnostics, LLC DBA Color Health
Classification: Likely benign for Hereditary cancer-predisposing syndrome. Last evaluated: 2024-10-11. Review status: criteria provided, single submitter. Criteria: ACMG Guidelines, 2015. Collection method: clinical testing. Allele origin: germline.

All of Us Research Program, National Institutes of Health
Classification: Likely benign for Juvenile polyposis/hereditary hemorrhagic telangiectasia syndrome. Last evaluated: 2024-06-09. Review status: criteria provided, single submitter. Criteria: ACMG Guidelines, 2015. Collection method: clinical testing. Allele origin: germline. Inheritance: Autosomal dominant inheritance. Observed: 2 variant alleles, 2 heterozygotes.
Comment: This study involves interpretation of variants in research participants for the purpose of population health screening. Participant phenotype was not available at the time of variant classification. Additional details can be found in publication PMID: 35346344, PMCID: PMC8962531

Ambry Genetics
Classification: Likely benign for Hereditary cancer-predisposing syndrome; Familial thoracic aortic aneurysm and aortic dissection. Last evaluated: 2024-01-17. Review status: criteria provided, single submitter. Criteria: Ambry Variant Classification Scheme 2023. Collection method: clinical testing. Allele origin: germline.

Baylor Genetics
Classification: Uncertain significance for Juvenile polyposis/hereditary hemorrhagic telangiectasia syndrome. Last evaluated: 2023-08-02. Review status: criteria provided, single submitter. Criteria: ACMG Guidelines, 2015. Collection method: clinical testing. Allele origin: unknown.

Literature cited by the submitters: PubMed 28716708 (cited by Labcorp Genetics (formerly Invitae), Labcorp).

NM_005359.6(SMAD4):c.812G>A (p.Ser271Asn)

Gene: SMAD4 (SMAD family member 4; plus strand). Cytogenetic location: 18q21.2.
Variant type: single nucleotide variant.
Coding change: c.812G>A on transcript NM_005359.6 (MANE Select); coding-DNA position 812, G replaced by A.
Protein change: p.Ser271Asn; replaces serine 271 with asparagine.
Molecular consequence: missense variant.
Genome position (GRCh38, 1-based): chr18:51,058,364, G>A. VCF-style: chr18-51058364-G-A. GRCh37 (hg19) VCF-style: chr18-48584734-G-A.
Other names: short protein forms S271N.
Identifiers: ClinVar variation 529933 (VCV000529933.16), dbSNP rs1343555503, ClinGen allele CA402463342.